The following is an entry in ClinVar:

NM_001267550.2(TTN):c.72331G>C (p.Ala24111Pro)

Genes: TTN (titin; minus strand), TTN-AS1 (TTN antisense RNA 1; plus strand). Cytogenetic location: 2q31.2.
Variant type: single nucleotide variant.
Coding change: c.72331G>C on transcript NM_001267550.2 (MANE Select); coding-DNA position 72331, G replaced by C.
Protein change: p.Ala24111Pro; replaces alanine 24111 with proline.
Molecular consequence: missense variant.
Genome position (GRCh38, 1-based): chr2:178,573,801, C>G on the plus strand (G>C on the coding strand, the complement: TTN is on the minus strand). VCF-style: chr2-178573801-C-G. GRCh37 (hg19) VCF-style: chr2-179438528-C-G.
Other names: c.67408G>C, p.Ala22470Pro (NM_001256850.1); c.45136G>C, p.Ala15046Pro (NM_003319.4); c.45511G>C, p.Ala15171Pro (NM_133432.3); c.45712G>C, p.Ala15238Pro (NM_133437.4); c.64627G>C, p.Ala21543Pro (NM_133378.4); c.72331G>C (NM_001267550.1); short protein forms A21543P, A24111P, A15171P, A22470P, A15046P, A15238P.
Identifiers: ClinVar variation 229507 (VCV000229507.20), dbSNP rs369671334, ClinGen allele CA1990515.
Genomic context (GRCh38, chr2:178,573,801, plus strand): 5'-CCAAAGGTCCTTCAGGTGGGCCTGGTCTGTCAAGAACTTTGACATTGAAAATGTGTTTAG[C>G]AAAGCCACCAGGATTAGTCGCTGTAAGGGTATAGGCACCACTATCCCTTCTTGTTGAATC-3'
Protein context (NP_001254479.2, residues 24101-24121): TLTATNPGGF[Ala24111Pro]KHIFNVKVLD

ClinVar aggregate classification (germline): Conflicting classifications of pathogenicity. Review status: criteria provided, conflicting classifications (1 of 4 stars). 10 submissions from 10 submitters: Uncertain significance (6); Likely benign (4). Last evaluated 2026-03-13.

Conditions:
TTN-related disorder. Also called: TTN-related disorders; TTN-related condition; TTN-related disease.
Dilated cardiomyopathy 1G (CMD1G). Identifiers: Orphanet 154, MedGen C1858763, MONDO:0011400, OMIM 604145.
Autosomal recessive limb-girdle muscular dystrophy type 2J (LGMDR10). Also called: Limb-girdle muscular dystrophy, type 2J; MUSCULAR DYSTROPHY, LIMB-GIRDLE, AUTOSOMAL RECESSIVE 10. Identifiers: Orphanet 140922, MedGen C1837342, MONDO:0012127, OMIM 608807.
Early-onset myopathy with fatal cardiomyopathy (CMYO5). Also called: CONGENITAL MYOPATHY 5 WITH CARDIOMYOPATHY; Salih Myopathy. Identifiers: Orphanet 289377, MedGen C2673677, MONDO:0012714, OMIM 611705. Disease mechanism: loss of function.
Tibial muscular dystrophy (TMD). Also called: Tibial muscular dystrophy, tardive; Udd Distal Myopathy – Tibial Muscular Dystrophy; UDD MYOPATHY. Identifiers: Orphanet 609, MedGen C1838244, MONDO:0010870, OMIM 600334.
Myopathy, myofibrillar, 9, with early respiratory failure (MFM9). Also called: Myopathy, distal, with early respiratory failure, autosomal dominant; MYOPATHY, PROXIMAL, WITH EARLY RESPIRATORY MUSCLE INVOLVEMENT; Hereditary myopathy with early respiratory failure; EDSTROM MYOPATHY. Identifiers: Orphanet 178464, Orphanet 34521, MedGen C1863599, MONDO:0011362, OMIM 603689.
Hypertrophic cardiomyopathy 9. Also called: Familial hypertrophic cardiomyopathy 9. Identifiers: MedGen C1861065, MONDO:0013412, OMIM 613765.
Cardiomyopathy (CMYO). Also called: Cardiomyopathies. Identifiers: Orphanet 167848, MedGen C0878544, MONDO:0004994, HP:0001638. Inheritance: Various modes of inheritance.

Allele frequency attached by ClinVar (database versions not stated): gnomAD exomes 0.00004 and 0.00007; ExAC 0.00005; gnomAD 0.00007; TOPMed 0.00007; ESP Exome Variant Server 0.00008.
gnomAD v4.1: 73 of 1,610,732 alleles (0.0045%); highest among the groups gnomAD compares: Admixed American, 0.0067%; no homozygotes.

Submissions (10):

PreventionGenetics, part of Exact Sciences
Classification: Uncertain significance for TTN-related condition. Last evaluated: 2026-03-13. Review status: criteria provided, single submitter. Criteria: ACMG Guidelines, 2015. Collection method: clinical testing. Allele origin: germline.
Comment: The TTN c.72331G>C variant is predicted to result in the amino acid substitution p.Ala24111Pro. To our knowledge, this variant has not been reported in the literature. This variant is reported in 0.015% of alleles in individuals of European (Non-Finnish) descent in gnomAD. At this time, the clinical significance of this variant is uncertain due to the absence of conclusive functional and genetic evidence.

Molecular Diagnostic Laboratory for Inherited Cardiovascular Disease, Montreal Heart Institute
Classification: Likely benign. Last evaluated: 2025-04-09. Review status: criteria provided, single submitter. Criteria: ACMG Guidelines, 2015. Collection method: clinical testing. Allele origin: germline. Affected: no.

Blueprint Genetics
Classification: Likely benign. Last evaluated: 2024-10-04. Review status: criteria provided, single submitter. Criteria: ACMG Guidelines, 2015. Collection method: clinical testing. Allele origin: germline.

GeneDx
Classification: Likely benign. Last evaluated: 2024-05-01. Review status: criteria provided, single submitter. Criteria: GeneDx Variant Classification Process June 2021. Collection method: clinical testing. Allele origin: germline. Affected: yes.

CHEO Genetics Diagnostic Laboratory, Children's Hospital of Eastern Ontario
Classification: Likely benign for Cardiomyopathy. Last evaluated: 2023-02-21. Review status: criteria provided, single submitter. Criteria: ACMG Guidelines, 2015. Collection method: clinical testing. Allele origin: germline.

Revvity Omics, Revvity
Classification: Uncertain significance. Last evaluated: 2023-01-02. Review status: criteria provided, single submitter. Criteria: ACMG Guidelines, 2015. Collection method: clinical testing. Allele origin: germline.

Fulgent Genetics
Classification: Uncertain significance for Tibial muscular dystrophy; Myopathy, myofibrillar, 9, with early respiratory failure; Dilated cardiomyopathy 1G; Autosomal recessive limb-girdle muscular dystrophy type 2J; Early-onset myopathy with fatal cardiomyopathy; Hypertrophic cardiomyopathy 9. Last evaluated: 2021-11-22. Review status: criteria provided, single submitter. Criteria: ACMG Guidelines, 2015. Collection method: clinical testing. Allele origin: unknown.

Labcorp Genetics (formerly Invitae), Labcorp
Classification: Uncertain significance for Dilated cardiomyopathy 1G; Autosomal recessive limb-girdle muscular dystrophy type 2J. Last evaluated: 2017-11-13. Review status: criteria provided, single submitter. Criteria: Invitae Variant Classification Sherloc (09022015). Collection method: clinical testing. Allele origin: germline.

Eurofins Ntd Llc (ga)
Classification: Uncertain significance. Last evaluated: 2017-03-20. Review status: criteria provided, single submitter. Criteria: EGL Classification Definitions 2015. Collection method: clinical testing. Allele origin: germline. Observed: 1 variant allele, 1 heterozygote.

Laboratory for Molecular Medicine, Mass General Brigham Personalized Medicine
Classification: Uncertain significance. Last evaluated: 2015-03-12. Review status: criteria provided, single submitter. Criteria: LMM Criteria. Collection method: clinical testing. Allele origin: germline. Observed: 1 variant allele.
Comment: The p.Ala21543Pro variant in TTN has not been previously identified in individua ls with cardiomyopathy, but has been identified in 5/66130 European chromosomes by the Exome Aggregation Consortium (ExAC; dbSNP rs369671334). Computational prediction tools and conservation analysis suggest that this variant may impact the protein, though this information is not predict ive enough to determine pathogenicity. In summary, the clinical significance of the p.Ala21543Pro variant is uncertain.